The following is an entry in ClinVar:

NM_194454.3(KRIT1):c.730-12_730-11insGAACCTGGGAGGCGGAGGTTGCAGTGTGCTGAGATCGCACACTGCGA

Gene: KRIT1 (KRIT1 ankyrin repeat containing; minus strand). Cytogenetic location: 7q21.2.
Variant type: Insertion.
Coding change: c.730-12_730-11insGAACCTGGGAGGCGGAGGTTGCAGTGTGCTGAGATCGCACACTGCGA on transcript NM_194454.3 (MANE Select); 12 bases into the intron before coding-DNA position 730 through 11 bases into the intron before coding-DNA position 730, GAACCTGGGAGGCGGAGGTTGCAGTGTGCTGAGATCGCACACTGCGA inserted.
Molecular consequence: intron variant.
Genome position: GRCh38: chr7:92,234,934-92,234,935. GRCh37 (hg19): chr7:91,864,248-91,864,249.
Other names: c.730-12_730-11insGAACCTGGGAGGCGGAGGTTGCAGTGTGCTGAGATCGCACACTGCGA (NM_194456.1, NM_001350674.1, NM_001350680.1 and 29 more transcripts); c.16-12_16-11insGAACCTGGGAGGCGGAGGTTGCAGTGTGCTGAGATCGCACACTGCGA (NM_001350671.1).
Identifiers: ClinVar variation 2835581 (VCV002835581.3), dbSNP rs2536014535, ClinGen allele CA2739266543.

ClinVar aggregate classification (germline): Uncertain significance (1 of 4 stars; one submission).

Conditions:
Cerebral cavernous malformation (CCM). Also called: Cerebral cavernous hemangioma (type); Cerebral cavernous malformations; Cavernous Hemangioma of Brain; CAVERNOUS ANGIOMA, FAMILIAL; CAVERNOUS ANGIOMATOUS MALFORMATIONS; CEREBRAL CAPILLARY MALFORMATIONS. Identifiers: Orphanet 221061, MedGen C2919945, MONDO:0000820, OMIM 116860, HP:0033522.

Submission:

Labcorp Genetics (formerly Invitae), Labcorp
Classification: Uncertain significance for Cerebral cavernous malformation. Last evaluated: 2023-02-08. Review status: criteria provided, single submitter. Criteria: Invitae Variant Classification Sherloc (09022015). Collection method: clinical testing. Allele origin: germline.
Comment: This sequence change falls in intron 9 of the KRIT1 gene. It does not directly change the encoded amino acid sequence of the KRIT1 protein. This variant is not present in population databases (gnomAD no frequency). This variant has not been reported in the literature in individuals affected with KRIT1-related conditions. Algorithms developed to predict the effect of sequence changes on RNA splicing suggest that this variant may disrupt the consensus splice site. In summary, the available evidence is currently insufficient to determine the role of this variant in disease. Therefore, it has been classified as a Variant of Uncertain Significance.